The following is an entry in ClinVar:

NM_144670.6(A2ML1):c.292_294del (p.Val98del)

Genes: A2ML1 (alpha-2-macroglobulin like 1; plus strand), A2ML1-AS1 (A2ML1 antisense RNA 1; minus strand). Cytogenetic location: 12p13.31.
Variant type: Deletion.
Coding change: c.292_294del on transcript NM_144670.6 (MANE Select); coding-DNA positions 292 to 294, 3 bases deleted (GTG; older notation c.292_294delGTG).
Protein change: p.Val98del; deletes valine 98.
Molecular consequence: inframe deletion.
Genome position (GRCh38, 1-based): chr12:8,823,765-8,823,767, GTG deleted; deleting any 3 consecutive bases within chr12:8,823,764-8,823,767 gives the same sequence; the c. name uses the placement nearest the transcript's 3' end. VCF-style (leftmost placement, unchanged base first): chr12-8823763-GGGT-G. GRCh37 (hg19) VCF-style: chr12-8976359-GGGT-G.
Other names: short protein forms V98del.
Identifiers: ClinVar variation 1462146 (VCV001462146.8), dbSNP rs2136697564, ClinGen allele CA2573148435.

ClinVar aggregate classification (germline): Uncertain significance (1 of 4 stars; one submission).

Submission:

Labcorp Genetics (formerly Invitae), Labcorp
Classification: Uncertain significance. Last evaluated: 2025-06-09. Review status: criteria provided, single submitter. Criteria: Invitae Variant Classification Sherloc (09022015). Collection method: clinical testing. Allele origin: germline.
Comment: This variant, c.292_294del, results in the deletion of 1 amino acid(s) of the A2ML1 protein (p.Val98del), but otherwise preserves the integrity of the reading frame. This variant is not present in population databases (gnomAD no frequency). This variant has not been reported in the literature in individuals affected with A2ML1-related conditions. ClinVar contains an entry for this variant (Variation ID: 1462146). In summary, the available evidence is currently insufficient to determine the role of this variant in disease. Therefore, it has been classified as a Variant of Uncertain Significance.